The following is an entry in ClinVar:

ClinVar aggregate classification (germline): Uncertain significance (1 of 4 stars; one submission).

Submission:

Labcorp Genetics (formerly Invitae), Labcorp
Classification: Uncertain significance. Last evaluated: 2023-06-05. Review status: criteria provided, single submitter. Criteria: Invitae Variant Classification Sherloc (09022015). Collection method: clinical testing. Allele origin: germline.
Comment: This variant is not present in population databases (gnomAD no frequency). This sequence change replaces cysteine, which is neutral and slightly polar, with serine, which is neutral and polar, at codon 1357 of the POLE protein (p.Cys1357Ser). In summary, the available evidence is currently insufficient to determine the role of this variant in disease. Therefore, it has been classified as a Variant of Uncertain Significance. Advanced modeling of protein sequence and biophysical properties (such as structural, functional, and spatial information, amino acid conservation, physicochemical variation, residue mobility, and thermodynamic stability) performed at Invitae indicates that this missense variant is not expected to disrupt POLE protein function. This variant has not been reported in the literature in individuals affected with POLE-related conditions.

NM_006231.4(POLE):c.4069T>A (p.Cys1357Ser)

Gene: POLE (DNA polymerase epsilon, catalytic subunit; minus strand). Cytogenetic location: 12q24.33.
Variant type: single nucleotide variant.
Coding change: c.4069T>A on transcript NM_006231.4 (MANE Select); coding-DNA position 4069, T replaced by A.
Protein change: p.Cys1357Ser; replaces cysteine 1357 with serine.
Molecular consequence: missense variant.
Genome position (GRCh38, 1-based): chr12:132,649,009, A>T on the plus strand (T>A on the coding strand, the complement: POLE is on the minus strand). VCF-style: chr12-132649009-A-T. GRCh37 (hg19) VCF-style: chr12-133225595-A-T.
Other names: short protein forms C1357S.
Identifiers: ClinVar variation 2769682 (VCV002769682.3), dbSNP rs1565945381, ClinGen allele CA387383830.
Genomic context (GRCh38, chr12:132,649,009, plus strand): 5'-CCTCCGCTTTAGCGACTCGCTGGTTCACGTAGAACACACGGGGGATGCTCAGCCTGATGC[A>T]GTGCAAGTCACTGCCAACGAGCGCCCACAGCCTGAACAGGCCGGCCTGGCTGGTCTCGCT-3'
Protein context (NP_006222.2, residues 1347-1367): LWALVGSDLH[Cys1357Ser]IRLSIPRVFY